The following is an entry in ClinVar:

NM_020937.4(FANCM):c.-7C>T

Gene: FANCM (FA complementation group M; plus strand). Cytogenetic location: 14q21.2.
Variant type: single nucleotide variant.
Coding change: c.-7C>T on transcript NM_020937.4 (MANE Select); 7 bases upstream of the start codon, C replaced by T.
Molecular consequence: 5 prime UTR variant.
Genome position (GRCh38, 1-based): chr14:45,136,025, C>T. VCF-style: chr14-45136025-C-T. GRCh37 (hg19) VCF-style: chr14-45605228-C-T.
Other names: c.-7C>T (NM_001308133.2, NM_001308134.2).
Identifiers: ClinVar variation 4533139 (VCV004533139.1).

ClinVar aggregate classification (germline): Uncertain significance (1 of 4 stars; one submission).

gnomAD v4.1: 1 of 1,612,964 alleles (0.000062%); highest among the groups gnomAD compares: East Asian, 0.0022%; no homozygotes.

Submission:

Quest Diagnostics Nichols Institute San Juan Capistrano
Classification: Uncertain significance. Last evaluated: 2024-12-13. Review status: criteria provided, single submitter. Criteria: Quest Diagnostics criteria. Collection method: clinical testing. Allele origin: unknown.
Comment: The FANCM c.-7C>T variant has not been reported in individuals with FANCM-related conditions in the published literature. It also has not been reported in large, multi-ethnic general populations (Genome Aggregation Database). Analysis of this variant using software algorithms for the prediction of the effect of nucleotide changes on splicing yielded predictions that this variant does not affect FANCM mRNA splicing. Based on the available information, we are unable to determine the clinical significance of this variant.